The following is an entry in ClinVar:

ClinVar aggregate classification (germline): Pathogenic (1 of 4 stars; one submission).

Submission:

Labcorp Genetics (formerly Invitae), Labcorp
Classification: Pathogenic. Last evaluated: 2022-09-26. Review status: criteria provided, single submitter. Criteria: Invitae Variant Classification Sherloc (09022015). Collection method: clinical testing. Allele origin: germline.
Comment: This sequence change creates a premature translational stop signal (p.Gly792*) in the COL4A3 gene. It is expected to result in an absent or disrupted protein product. Loss-of-function variants in COL4A3 are known to be pathogenic (PMID: 8956999, 24854265, 26809805, 27281700). This variant is not present in population databases (gnomAD no frequency). This variant has not been reported in the literature in individuals affected with COL4A3-related conditions. ClinVar contains an entry for this variant (Variation ID: 1423996). Algorithms developed to predict the effect of sequence changes on RNA splicing suggest that this variant may disrupt the consensus splice site. For these reasons, this variant has been classified as Pathogenic.

Literature cited by the submitters: PubMed 8956999; PubMed 24854265; PubMed 26809805; PubMed 27281700.

NM_000091.5(COL4A3):c.2374G>T (p.Gly792Ter)

Genes: COL4A3 (collagen type IV alpha 3 chain; plus strand), MFF-DT (MFF divergent transcript; minus strand). Cytogenetic location: 2q36.3.
Variant type: single nucleotide variant.
Coding change: c.2374G>T on transcript NM_000091.5 (MANE Select); coding-DNA position 2374, G replaced by T.
Protein change: p.Gly792Ter; replaces glycine 792 with a stop codon.
Molecular consequence: nonsense.
Genome position (GRCh38, 1-based): chr2:227,280,590, G>T. VCF-style: chr2-227280590-G-T. GRCh37 (hg19) VCF-style: chr2-228145306-G-T.
Other names: short protein forms G792*.
Identifiers: ClinVar variation 1423996 (VCV001423996.6), dbSNP rs2071892705, ClinGen allele CA350849338.